The following is an entry in ClinVar:

NM_012431.3(SEMA3E):c.1144-9G>C

Gene: SEMA3E (semaphorin 3E; minus strand). Cytogenetic location: 7q21.11.
Variant type: single nucleotide variant.
Coding change: c.1144-9G>C on transcript NM_012431.3 (MANE Select); 9 bases into the intron before coding-DNA position 1144, G replaced by C.
Molecular consequence: intron variant.
Genome position (GRCh38, 1-based): chr7:83,400,259, C>G on the plus strand (G>C on the coding strand, the complement: SEMA3E is on the minus strand). VCF-style: chr7-83400259-C-G. GRCh37 (hg19) VCF-style: chr7-83029575-C-G.
Other names: c.964-9G>C (NM_001178129.2).
Identifiers: ClinVar variation 4999706 (VCV004999706.1).

ClinVar aggregate classification (germline): Likely benign (1 of 4 stars; one submission).

Conditions:
SEMA3E-related disorder. Also called: SEMA3E-related condition.

Submission:

PreventionGenetics, part of Exact Sciences
Classification: Likely benign for SEMA3E-related condition. Last evaluated: 2025-01-05. Review status: criteria provided, single submitter. Criteria: ACMG Guidelines, 2015. Collection method: clinical testing. Allele origin: germline.
Comment: This variant is classified as likely benign based on ACMG/AMP sequence variant interpretation guidelines (Richards et al. 2015 PMID: 25741868, with internal and published modifications).